The following is an entry in ClinVar:

NM_004006.3(DMD):c.9425A>T (p.Asp3142Val)

Gene: DMD (dystrophin; minus strand). Cytogenetic location: Xp21.2.
Variant type: single nucleotide variant.
Coding change: c.9425A>T on transcript NM_004006.3 (MANE Select); coding-DNA position 9425, A replaced by T.
Protein change: p.Asp3142Val; replaces aspartic acid 3142 with valine.
Molecular consequence: missense variant.
Genome position (GRCh38, 1-based): chrX:31,209,636, T>A on the plus strand (A>T on the coding strand, the complement: DMD is on the minus strand). VCF-style: chrX-31209636-T-A. GRCh37 (hg19) VCF-style: chrX-31227753-T-A.
Other names: c.9401A>T, p.Asp3134Val (NM_000109.4); c.9413A>T, p.Asp3138Val (NM_004009.3); c.9056A>T, p.Asp3019Val (NM_004010.3); c.5402A>T, p.Asp1801Val (NM_004011.4); c.5393A>T, p.Asp1798Val (NM_004012.4); c.2045A>T, p.Asp682Val (NM_004013.3, NM_004020.4, NM_004021.3 and 2 more transcripts); c.1238A>T, p.Asp413Val (NM_004014.3); c.221A>T, p.Asp74Val (NM_004015.3, NM_004016.3, NM_004017.3 and 2 more transcripts); short protein forms D1798V, D1801V, D3019V, D3134V, D3138V, D3142V, D413V, D682V.
Identifiers: ClinVar variation 3223667 (VCV003223667.2), dbSNP rs745553032, ClinGen allele CA328408181.
Genomic context (GRCh38, chrX:31,209,636, plus strand): 5'-TCCAGGCGGTCATAAATAGTGGTCAAACAATTAATAATCTGCAGGATATCCATGGGCTGG[T>A]CATTTTGCTTGAGGTTGTGCTGGTCCAAGGCATCACATGCAGCTGACAGGCTCAAGAGAT-3'
Protein context (NP_003997.2, residues 3132-3152): ALDQHNLKQN[Asp3142Val]QPMDILQIIN

ClinVar aggregate classification (germline): Uncertain significance. Review status: criteria provided, multiple submitters, no conflicts (2 of 4 stars). 2 submissions from 2 submitters: Uncertain significance (2). Last evaluated 2023-12-01.

Conditions:
Cardiovascular phenotype. Identifiers: MedGen CN230736.

Allele frequency attached by ClinVar (database versions not stated): TOPMed 0.00001; 1000 Genomes Project 30x 0.00021; 1000 Genomes Project 0.00026.

Submissions (2):

Ambry Genetics
Classification: Uncertain significance for Cardiovascular phenotype. Last evaluated: 2023-12-01. Review status: criteria provided, single submitter. Criteria: Ambry Variant Classification Scheme 2023. Collection method: clinical testing. Allele origin: germline.
Comment: The p.D3142V variant (also known as c.9425A>T), located in coding exon 65 of the DMD gene, results from an A to T substitution at nucleotide position 9425. The aspartic acid at codon 3142 is replaced by valine, an amino acid with highly dissimilar properties. This amino acid position is not well conserved in available vertebrate species. In addition, the in silico prediction for this alteration is inconclusive. Since supporting evidence is limited at this time, the clinical significance of this alteration remains unclear.

GeneDx
Classification: Uncertain significance. Last evaluated: 2023-06-01. Review status: criteria provided, single submitter. Criteria: GeneDx Variant Classification Process June 2021. Collection method: clinical testing. Allele origin: germline. Affected: yes.
Comment: Not observed at significant frequency in large population cohorts (gnomAD); In silico analysis supports that this missense variant has a deleterious effect on protein structure/function; Missense variant in a gene in which most reported pathogenic variants are truncating/loss of function; Has not been previously published as pathogenic or benign to our knowledge